The following is an entry in ClinVar:

NM_001283009.2(RTEL1):c.3712C>T (p.Leu1238Phe)

Genes: RTEL1 (regulator of telomere elongation helicase 1; plus strand), RTEL1-TNFRSF6B (RTEL1-TNFRSF6B readthrough (NMD candidate); plus strand). Cytogenetic location: 20q13.33.
Variant type: single nucleotide variant.
Coding change: c.3712C>T on transcript NM_001283009.2 (MANE Select); coding-DNA position 3712, C replaced by T.
Protein change: p.Leu1238Phe; replaces leucine 1238 with phenylalanine.
Molecular consequence: missense variant. On other transcripts: non-coding transcript variant (1), intron variant (3).
Genome position (GRCh38, 1-based): chr20:63,695,540, C>T. VCF-style: chr20-63695540-C-T. GRCh37 (hg19) VCF-style: chr20-62326893-C-T.
Other names: c.2983+60C>T (NM_001283010.1); c.3724+60C>T (NM_032957.5); c.3652+60C>T (NM_016434.4); short protein forms L1238F.
Identifiers: ClinVar variation 1055275 (VCV001055275.8), dbSNP rs765763485, ClinGen allele CA9966168.

ClinVar aggregate classification (germline): Uncertain significance. Review status: criteria provided, multiple submitters, no conflicts (2 of 4 stars). 3 submissions from 3 submitters: Uncertain significance (3). Last evaluated 2025-01-01.

Conditions:
Pulmonary fibrosis and/or bone marrow failure, Telomere-related, 3. Also called: PULMONARY FIBROSIS AND/OR BONE MARROW FAILURE SYNDROME, TELOMERE-RELATED, 3. Identifiers: Orphanet 2032, MedGen C4225346, MONDO:0014613, OMIM 616373.
Dyskeratosis congenita, autosomal recessive 5 (DKCB5). Identifiers: MedGen C3554656, MONDO:0014076, OMIM 615190.
Inborn genetic diseases. Identifiers: MedGen C0950123, MeSH D030342.

Allele frequency attached by ClinVar (database versions not stated): gnomAD exomes 0.00001 and 0.00002; ExAC 0.00003; TOPMed 0.00002.
gnomAD v4.1: 7 of 1,612,380 alleles (0.00043%); highest among the groups gnomAD compares: Admixed American, 0.005%; no homozygotes.

Submissions (3):

Labcorp Genetics (formerly Invitae), Labcorp
Classification: Uncertain significance for Dyskeratosis congenita, autosomal recessive 5; Pulmonary fibrosis and/or bone marrow failure, Telomere-related, 3. Last evaluated: 2025-01-01. Review status: criteria provided, single submitter. Criteria: Invitae Variant Classification Sherloc (09022015). Collection method: clinical testing. Allele origin: germline.
Comment: This sequence change replaces leucine, which is neutral and non-polar, with phenylalanine, which is neutral and non-polar, at codon 1238 of the RTEL1 protein (p.Leu1238Phe). This variant is present in population databases (rs765763485, gnomAD 0.009%). This variant has not been reported in the literature in individuals affected with RTEL1-related conditions. ClinVar contains an entry for this variant (Variation ID: 1055275). An algorithm developed to predict the effect of missense changes on protein structure and function (PolyPhen-2) suggests that this variant is likely to be tolerated. In summary, the available evidence is currently insufficient to determine the role of this variant in disease. Therefore, it has been classified as a Variant of Uncertain Significance.

Ambry Genetics
Classification: Uncertain significance for Inborn genetic diseases. Last evaluated: 2024-12-26. Review status: criteria provided, single submitter. Criteria: Ambry Variant Classification Scheme 2023. Collection method: clinical testing. Allele origin: germline.
Comment: The p.L1238F variant (also known as c.3712C>T), located in coding exon 33 of the RTEL1 gene, results from a C to T substitution at nucleotide position 3712. The leucine at codon 1238 is replaced by phenylalanine, an amino acid with highly similar properties. This amino acid position is conserved. In addition, this alteration is predicted to be tolerated by in silico analysis. Based on the available evidence, the clinical significance of this variant remains unclear.

Fulgent Genetics
Classification: Uncertain significance for Dyskeratosis congenita, autosomal recessive 5; Pulmonary fibrosis and/or bone marrow failure, Telomere-related, 3. Last evaluated: 2024-05-23. Review status: criteria provided, single submitter. Criteria: ACMG Guidelines, 2015. Collection method: clinical testing. Allele origin: germline.